The following is an entry in ClinVar:

NM_001374736.1(DST):c.18307G>A (p.Gly6103Arg)

Gene: DST (dystonin; minus strand). Cytogenetic location: 6p12.1.
Variant type: single nucleotide variant.
Coding change: c.18307G>A on transcript NM_001374736.1 (MANE Select); coding-DNA position 18307, G replaced by A.
Protein change: p.Gly6103Arg; replaces glycine 6103 with arginine.
Molecular consequence: missense variant.
Genome position (GRCh38, 1-based): chr6:56,517,248, C>T on the plus strand (G>A on the coding strand, the complement: DST is on the minus strand). VCF-style: chr6-56517248-C-T. GRCh37 (hg19) VCF-style: chr6-56382046-C-T.
Other names: c.11950G>A, p.Gly3984Arg (NM_001144769.5); c.11536G>A, p.Gly3846Arg (NM_001144770.2); c.18307G>A, p.Gly6103Arg (NM_001374722.1); c.17347G>A, p.Gly5783Arg (NM_001374729.1); c.11089G>A, p.Gly3697Arg (NM_001374730.1); c.18334G>A, p.Gly6112Arg (NM_001374734.1); c.11416G>A, p.Gly3806Arg (NM_001386100.1, NM_183380.4); c.10438G>A, p.Gly3480Arg (NM_015548.5); short protein forms G3480R, G3697R, G3806R, G3846R, G3984R, G5783R, G6103R, G6112R.
Identifiers: ClinVar variation 3762702 (VCV003762702.2).
Genomic context (GRCh38, chr6:56,517,248, plus strand): 5'-AAGATTATACCTTCATTGATTGCTTTTCCTCTTCACTGCATGCGGTCATGATTTTATGCC[C>T]AGATTTAACAAGGTCATCAATAATATCCTTGTGTCTCAAAATCTCCATGGTGAATGTCTG-3'
Protein context (NP_001361665.1, residues 6093-6113): KDIIDDLVKS[Gly6103Arg]HKIMTACSEE

ClinVar aggregate classification (germline): Uncertain significance (1 of 4 stars; one submission).

Conditions:
Epidermolysis bullosa simplex 3, localized or generalized intermediate, with BP230 deficiency (EBS3). Also called: Epidermolysis bullosa simplex due to BP230 deficiency; Epidermolysis bullosa simplex, autosomal recessive 2. Identifiers: Orphanet 412181, MedGen C3809470, MONDO:0014180, OMIM 615425.
Hereditary sensory and autonomic neuropathy type 6. Also called: Neuropathy, hereditary sensory and autonomic, type VI; HSAN VI. Identifiers: Orphanet 314381, MedGen C3539003, MONDO:0013839, OMIM 614653.

Submission:

Labcorp Genetics (formerly Invitae), Labcorp
Classification: Uncertain significance for Epidermolysis bullosa simplex 3, localized or generalized intermediate, with BP230 deficiency; Hereditary sensory and autonomic neuropathy type 6. Last evaluated: 2024-12-18. Review status: criteria provided, single submitter. Criteria: Invitae Variant Classification Sherloc (09022015). Collection method: clinical testing. Allele origin: germline.
Comment: The DST gene has multiple clinically relevant transcripts. This variant occurs in alternate transcript NM_015548.4, and corresponds to NM_001723.5:c.*98269G>A in the primary transcript. This sequence change replaces glycine, which is neutral and non-polar, with arginine, which is basic and polar, at codon 3480 of the DST protein (p.Gly3480Arg). This variant is not present in population databases (gnomAD no frequency). This variant has not been reported in the literature in individuals affected with DST-related conditions. Experimental studies and prediction algorithms are not available or were not evaluated, and the functional significance of this variant is currently unknown. In summary, the available evidence is currently insufficient to determine the role of this variant in disease. Therefore, it has been classified as a Variant of Uncertain Significance.